The following is an entry in ClinVar:

ClinVar aggregate classification (germline): Pathogenic (1 of 4 stars; one submission).

Submission:

Labcorp Genetics (formerly Invitae), Labcorp
Classification: Pathogenic. Last evaluated: 2022-10-14. Review status: criteria provided, single submitter. Criteria: Invitae Variant Classification Sherloc (09022015). Collection method: clinical testing. Allele origin: unknown.
Comment: For these reasons, this variant has been classified as Pathogenic. This variant disrupts a region of the RNF168 protein in which other variant(s) (p.Gln442Lysfs*45) have been determined to be pathogenic (PMID: 17940005, 19203578). This suggests that this is a clinically significant region of the protein, and that variants that disrupt it are likely to be disease-causing. This variant has not been reported in the literature in individuals affected with RNF168-related conditions. This variant is a gross deletion of the genomic region encompassing exon(s) 5-6 of the RNF168 gene, which includes the termination codon. This deletion extends beyond the assayed region for this gene and therefore may encompass additional genes. While this deletion is not anticipated to lead to nonsense mediated decay, it is expected to alter mRNA translation or result in a truncated protein product.

Literature cited by the submitters: PubMed 17940005; PubMed 19203578.

NC_000003.11:g.(?_196198690)_(196202203_?)del

Gene: RNF168 (ring finger protein 168; minus strand). Cytogenetic location: 3q29.
Variant type: Deletion.
Identifiers: ClinVar variation 3247062 (VCV003247062.1).